The following is an entry in ClinVar:

ClinVar aggregate classification (germline): Conflicting classifications of pathogenicity. Review status: criteria provided, conflicting classifications (1 of 4 stars). 2 submissions from 2 submitters: Uncertain significance (1); Likely benign (1). Last evaluated 2025-06-12.

Conditions:
Duchenne muscular dystrophy (DMD). Also called: MUSCULAR DYSTROPHY, PSEUDOHYPERTROPHIC PROGRESSIVE, DUCHENNE TYPE; Duchenne Muscular Dystrophy (DMD). Identifiers: Orphanet 98896, MedGen C0013264, MONDO:0010679, OMIM 310200.
Cardiovascular phenotype. Identifiers: MedGen CN230736.

Allele frequency attached by ClinVar (database versions not stated): TOPMed 0.00001.

Submissions (2):

Ambry Genetics
Classification: Likely benign for Cardiovascular phenotype. Last evaluated: 2025-06-12. Review status: criteria provided, single submitter. Criteria: Ambry Variant Classification Scheme 2023. Collection method: clinical testing. Allele origin: germline.

Labcorp Genetics (formerly Invitae), Labcorp
Classification: Uncertain significance for Duchenne muscular dystrophy. Last evaluated: 2024-03-30. Review status: criteria provided, single submitter. Criteria: Invitae Variant Classification Sherloc (09022015). Collection method: clinical testing. Allele origin: germline.
Comment: This sequence change replaces alanine, which is neutral and non-polar, with threonine, which is neutral and polar, at codon 2615 of the DMD protein (p.Ala2615Thr). This variant is not present in population databases (gnomAD no frequency). This variant has not been reported in the literature in individuals affected with DMD-related conditions. ClinVar contains an entry for this variant (Variation ID: 1760869). Advanced modeling of protein sequence and biophysical properties (such as structural, functional, and spatial information, amino acid conservation, physicochemical variation, residue mobility, and thermodynamic stability) performed at Invitae indicates that this missense variant is not expected to disrupt DMD protein function with a negative predictive value of 95%. In summary, the available evidence is currently insufficient to determine the role of this variant in disease. Therefore, it has been classified as a Variant of Uncertain Significance.

NM_004006.3(DMD):c.7843G>A (p.Ala2615Thr)

Gene: DMD (dystrophin; minus strand). Cytogenetic location: Xp21.1.
Variant type: single nucleotide variant.
Coding change: c.7843G>A on transcript NM_004006.3 (MANE Select); coding-DNA position 7843, G replaced by A.
Protein change: p.Ala2615Thr; replaces alanine 2615 with threonine.
Molecular consequence: missense variant.
Genome position (GRCh38, 1-based): chrX:31,679,404, C>T on the plus strand (G>A on the coding strand, the complement: DMD is on the minus strand). VCF-style: chrX-31679404-C-T. GRCh37 (hg19) VCF-style: chrX-31697521-C-T.
Other names: c.7819G>A, p.Ala2607Thr (NM_000109.4); c.7831G>A, p.Ala2611Thr (NM_004009.3); c.7474G>A, p.Ala2492Thr (NM_004010.3); c.3820G>A, p.Ala1274Thr (NM_004011.4); c.3811G>A, p.Ala1271Thr (NM_004012.4); c.463G>A, p.Ala155Thr (NM_004013.3, NM_004020.4, NM_004021.3 and 2 more transcripts); short protein forms A1274T, A155T, A1271T, A2607T, A2492T, A2611T, A2615T.
Identifiers: ClinVar variation 1760869 (VCV001760869.7), dbSNP rs2082253736, ClinGen allele CA412656612.